The following is an entry in ClinVar:

ClinVar aggregate classification (germline): Benign/Likely benign. Review status: criteria provided, multiple submitters, no conflicts (2 of 4 stars). 5 submissions from 5 submitters: Benign (2); Likely benign (3). Last evaluated 2026-01-19.

Conditions:
CHRNA2-related disorder. Also called: CHRNA2-related condition.
Familial sleep-related hypermotor epilepsy. Also called: Autosomal Dominant Sleep-Related Hypermotor (Hyperkinetic) Epilepsy. Identifiers: Orphanet 98784, MedGen C3696898, MONDO:0000030.
Inborn genetic diseases. Identifiers: MedGen C0950123, MeSH D030342.

Allele frequency attached by ClinVar (database versions not stated): gnomAD exomes 0.00009 and 0.00026; ExAC 0.00032; gnomAD 0.00066 and 0.00073; TOPMed 0.00068; ESP Exome Variant Server 0.00069; 1000 Genomes Project 0.00100; 1000 Genomes Project 30x 0.00109.
gnomAD v4.1: 242 of 1,614,130 alleles (0.015%); highest among the groups gnomAD compares: African/African-American, 0.23%; no homozygotes.

Submissions (5):

Labcorp Genetics (formerly Invitae), Labcorp
Classification: Benign. Last evaluated: 2026-01-19. Review status: criteria provided, single submitter. Criteria: Invitae Variant Classification Sherloc (09022015). Collection method: clinical testing. Allele origin: germline.

PreventionGenetics, part of Exact Sciences
Classification: Likely benign for CHRNA2-related condition. Last evaluated: 2024-11-09. Review status: criteria provided, single submitter. Criteria: ACMG Guidelines, 2015. Collection method: clinical testing. Allele origin: germline.
Comment: This variant is classified as likely benign based on ACMG/AMP sequence variant interpretation guidelines (Richards et al. 2015 PMID: 25741868, with internal and published modifications).

Eurofins Ntd Llc (ga)
Classification: Likely benign. Last evaluated: 2017-12-29. Review status: criteria provided, single submitter. Criteria: EGL Classification Definitions 2015. Collection method: clinical testing. Allele origin: germline. Observed: 1 variant allele, 1 heterozygote.

Ambry Genetics
Classification: Likely benign for Inborn genetic diseases. Last evaluated: 2017-12-04. Review status: criteria provided, single submitter. Criteria: Ambry Variant Classification Scheme 2023. Collection method: clinical testing. Allele origin: germline.

GeneDx
Classification: Benign. Last evaluated: 2015-07-13. Review status: criteria provided, single submitter. Criteria: GeneDx Variant Classification (06012015). Collection method: clinical testing. Allele origin: germline. Affected: yes.
Comment: This variant is considered likely benign or benign based on one or more of the following criteria: it is a conservative change, it occurs at a poorly conserved position in the protein, it is predicted to be benign by multiple in silico algorithms, and/or has population frequency not consistent with disease.

NM_000742.4(CHRNA2):c.684C>T (p.Ser228=)

Gene: CHRNA2 (cholinergic receptor nicotinic alpha 2 subunit; minus strand). Cytogenetic location: 8p21.2.
Variant type: single nucleotide variant.
Coding change: c.684C>T on transcript NM_000742.4 (MANE Select); coding-DNA position 684, C replaced by T.
Protein change: p.Ser228=; no amino-acid change (serine 228 retained).
Molecular consequence: synonymous variant.
Genome position (GRCh38, 1-based): chr8:27,463,759, G>A on the plus strand (C>T on the coding strand, the complement: CHRNA2 is on the minus strand). VCF-style: chr8-27463759-G-A. GRCh37 (hg19) VCF-style: chr8-27321276-G-A.
Other names: c.639C>T, p.Ser213= (NM_001282455.2); c.207C>T, p.Ser69= (NM_001347705.2, NM_001347706.2); c.90C>T, p.Ser30= (NM_001347707.2, NM_001347708.2).
Identifiers: ClinVar variation 377665 (VCV000377665.17), dbSNP rs143536618, ClinGen allele CA4689610.